The following is an entry in ClinVar:

ClinVar aggregate classification (germline): Uncertain significance. Review status: criteria provided, multiple submitters, no conflicts (2 of 4 stars). 2 submissions from 2 submitters: Uncertain significance (2). Last evaluated 2025-08-25.

Conditions:
Hereditary cancer-predisposing syndrome. Also called: Tumor predisposition; Hereditary Cancer Syndrome; Hereditary neoplastic syndrome; Neoplastic Syndromes, Hereditary. Identifiers: Orphanet 140162, MedGen C0027672, MeSH D009386, MONDO:0015356.
POLD1-related polyposis and colorectal cancer syndrome (CRCS10). Also called: Colorectal cancer 10; COLORECTAL CANCER, SUSCEPTIBILITY TO, ON CHROMOSOME 19q; Colorectal cancer, susceptibility to, 10. Identifiers: Orphanet 220460, MedGen C2675481, MONDO:0012953, OMIM 612591.

Allele frequency attached by ClinVar (database versions not stated): gnomAD 0.00001; TOPMed 0.00001.
gnomAD v4.1: 1 of 1,613,880 alleles (0.000062%); highest among the groups gnomAD compares: Non-Finnish European, 0.000085%; no homozygotes.

Submissions (2):

Labcorp Genetics (formerly Invitae), Labcorp
Classification: Uncertain significance for POLD1-related polyposis and colorectal cancer syndrome. Last evaluated: 2025-08-25. Review status: criteria provided, single submitter. Criteria: Invitae Variant Classification Sherloc (09022015). Collection method: clinical testing. Allele origin: germline.
Comment: This sequence change creates a premature translational stop signal (p.Gln456*) in the POLD1 gene. Missense variants that disrupt the 3'-5' exonuclease (proof-reading) activity of the POLD1 protein are associated with PPAP (polymerase proofreading–associated polyposis) (PMID: 23263490, 23447401). However, loss-of-function variants that result in an absent or severely disrupted POLD1 protein, and missense variants outside the exonuclease domain, are unlikely to be associated with PPAP. This variant is not present in population databases (gnomAD no frequency). This variant has not been reported in the literature in individuals affected with POLD1-related conditions. ClinVar contains an entry for this variant (Variation ID: 484358). In summary, the available evidence is currently insufficient to determine the role of this variant in disease. Therefore, it has been classified as a Variant of Uncertain Significance.

Ambry Genetics
Classification: Uncertain significance for Hereditary cancer-predisposing syndrome. Last evaluated: 2016-08-10. Review status: criteria provided, single submitter. Criteria: Ambry Variant Classification Scheme 2023. Collection method: clinical testing. Allele origin: germline.
Comment: The p.Q456* variant (also known as c.1366C>T), located in coding exon 10 of the POLD1 gene, results from a C to T substitution at nucleotide position 1366. This changes the amino acid from a glutamine to a stop codon within coding exon 10. This variant was not reported in population based cohorts in the following databases: Database of Single Nucleotide Polymorphisms (dbSNP), NHLBI Exome Sequencing Project (ESP), and 1000 Genomes Project. In the ESP, this variant was not observed in 6503 samples (13006 alleles) with coverage at this position. To date, this alteration has been detected with an allele frequency of approximately 0.002% (greater than 80000 alleles tested) in our clinical cohort. As neither this specific alteration nor loss of function as a mechanism of pathogenicity have been well-described in the POLD1 gene, the clinical significance of this variant remains unknown (ACMG Standards and guidelines for the interpretation of sequence variants. Genet Med. 2015 May;17(5):405-23).

Literature cited by the submitters: PubMed 23263490 (cited by Labcorp Genetics (formerly Invitae), Labcorp); PubMed 23447401 (cited by Labcorp Genetics (formerly Invitae), Labcorp).

NM_002691.4(POLD1):c.1366C>T (p.Gln456Ter)

Gene: POLD1 (DNA polymerase delta 1, catalytic subunit; plus strand). Cytogenetic location: 19q13.33.
Variant type: single nucleotide variant.
Coding change: c.1366C>T on transcript NM_002691.4 (MANE Select); coding-DNA position 1366, C replaced by T.
Protein change: p.Gln456Ter; replaces glutamine 456 with a stop codon.
Molecular consequence: nonsense. On other transcripts: non-coding transcript variant (1).
Genome position (GRCh38, 1-based): chr19:50,406,305, C>T. VCF-style: chr19-50406305-C-T. GRCh37 (hg19) VCF-style: chr19-50909562-C-T.
Other names: c.1366C>T, p.Gln456Ter (NM_001256849.1, NM_001308632.1); short protein forms Q456*.
Identifiers: ClinVar variation 484358 (VCV000484358.11), dbSNP rs878854520, ClinGen allele CA406979957.
Genomic context (GRCh38, chr19:50,406,305, plus strand): 5'-TTCCAGTCCAAGCAGACGGGCCGGCGGGACACCAAGGTTGTCAGCATGGTGGGCCGCGTG[C>T]AGATGGACATGCTGCAGGTATGGGCGGGAGGTGGGGTGTGTCCCTGTCCTTGGAAGGCCA-3'